The following is an entry in ClinVar:

ClinVar aggregate classification (germline): Likely pathogenic (1 of 4 stars; one submission).

Submission:

Labcorp Genetics (formerly Invitae), Labcorp
Classification: Likely pathogenic. Last evaluated: 2022-09-19. Review status: criteria provided, single submitter. Criteria: Invitae Variant Classification Sherloc (09022015). Collection method: clinical testing. Allele origin: germline.
Comment: In summary, the currently available evidence indicates that the variant is pathogenic, but additional data are needed to prove that conclusively. Therefore, this variant has been classified as Likely Pathogenic. ClinVar contains an entry for this variant (Variation ID: 1486606). This variant has not been reported in the literature in individuals affected with STIL-related conditions. This variant is not present in population databases (gnomAD no frequency). This sequence change creates a premature translational stop signal (p.Gln812Asnfs*5) in the STIL gene. It is expected to result in an absent or disrupted protein product. Loss-of-function variants in STIL are known to be pathogenic (PMID: 24986681, 33132204).

Literature cited by the submitters: PubMed 24986681; PubMed 33132204.

NM_001048166.1(STIL):c.2433_2434del (p.Gln812fs)

Gene: STIL (STIL centriolar assembly protein; minus strand). Cytogenetic location: 1p33.
Variant type: Microsatellite.
Coding change: c.2433_2434del on transcript NM_001048166.1 (MANE Select); coding-DNA positions 2433 to 2434, 2 bases deleted (TC; older notation c.2433_2434delTC).
Protein change: p.Gln812fs; shifts the reading frame from glutamine 812.
Molecular consequence: frameshift variant.
Genome position (GRCh38, 1-based): chr1:47,269,816-47,269,817, GA deleted on the plus strand (TC on the coding strand, the reverse complement: STIL is on the minus strand); deleting any 2 consecutive bases within chr1:47,269,816-47,269,820 gives the same sequence; the c. name uses the placement nearest the transcript's 3' end. VCF-style (leftmost placement, unchanged base first): chr1-47269815-TGA-T. GRCh37 (hg19) VCF-style: chr1-47735487-TGA-T.
Other names: c.2433_2434del, p.Gln812fs (NM_001282936.1, NM_001282937.1, NM_003035.2); c.2292_2293del, p.Gln765fs (NM_001282938.1, NM_001282939.1, NM_001377417.1); short protein forms Q765fs, Q812fs.
Identifiers: ClinVar variation 1486606 (VCV001486606.6), dbSNP rs2148845188, ClinGen allele CA2580611446.